The following is an entry in ClinVar:

NM_000051.4(ATM):c.8727A>G (p.Arg2909=)

Genes: ATM (ATM serine/threonine kinase; plus strand), C11orf65 (chromosome 11 open reading frame 65; minus strand). Cytogenetic location: 11q22.3.
Variant type: single nucleotide variant.
Coding change: c.8727A>G on transcript NM_000051.4 (MANE Select); coding-DNA position 8727, A replaced by G.
Protein change: p.Arg2909=; no amino-acid change (arginine 2909 retained).
Molecular consequence: synonymous variant. On other transcripts: intron variant (2).
Genome position (GRCh38, 1-based): chr11:108,353,821, A>G. VCF-style: chr11-108353821-A-G. GRCh37 (hg19) VCF-style: chr11-108224548-A-G.
Other names: c.8727A>G, p.Arg2909= (NM_001351834.2); c.640+32099T>C (NM_001330368.2); c.695-18529T>C (NM_001351110.2).
Identifiers: ClinVar variation 3021404 (VCV003021404.4), dbSNP rs2137290760, ClinGen allele CA476673878.
Genomic context (GRCh38, chr11:108,353,821, plus strand): 5'-TTTAGGTGTTGCTTTTGAACAGGGCAAAATCCTTCCTACTCCTGAGACAGTTCCTTTTAG[A>G]CTCACCAGAGATATTGTGGATGGCATGGGCATTACGGGTGTTGAAGGTGTCTTCAGAAGG-3'
Protein context (NP_000042.3, residues 2899-2919): ILPTPETVPF[Arg2909=]LTRDIVDGMG

ClinVar aggregate classification (germline): Benign/Likely benign. Review status: criteria provided, multiple submitters, no conflicts (2 of 4 stars). 2 submissions from 2 submitters: Benign (1); Likely benign (1). Last evaluated 2025-08-10.

Conditions:
Ataxia-telangiectasia syndrome (AT). Also called: ATAXIA-TELANGIECTASIA, COMPLEMENTATION GROUP A; ATAXIA-TELANGIECTASIA, FRESNO VARIANT; Ataxia-telangiectasia; Ataxia-telangiectasia, complementation group E; LOUIS-BAR SYNDROME; Cerebello-oculocutaneous telangiectasia. Identifiers: Orphanet 100, MedGen C0004135, MONDO:0008840, OMIM 208900.
Familial cancer of breast. Also called: BREAST CANCER, FAMILIAL; Hereditary breast cancer; hereditary breast carcinoma. Identifiers: Orphanet 227535, MedGen C0346153, MONDO:0016419, OMIM 114480. Disease mechanism: loss of function.

Submissions (2):

Labcorp Genetics (formerly Invitae), Labcorp
Classification: Likely benign for Ataxia-telangiectasia syndrome. Last evaluated: 2025-08-10. Review status: criteria provided, single submitter. Criteria: Invitae Variant Classification Sherloc (09022015). Collection method: clinical testing. Allele origin: germline.

Myriad Genetics, Inc.
Classification: Benign for Familial cancer of breast. Last evaluated: 2024-06-20. Review status: criteria provided, single submitter. Criteria: Myriad Autosomal Dominant, Autosomal Recessive and X-Linked Classification Criteria (2023). Collection method: clinical testing. Allele origin: unknown.
Comment: This variant is considered benign. This variant is a silent/synonymous amino acid change and it is not expected to impact splicing.